The following is an entry in ClinVar:

NM_144687.4(NLRP12):c.2585+2T>C

Gene: NLRP12 (NLR family pyrin domain containing 12; minus strand). Cytogenetic location: 19q13.42.
Variant type: single nucleotide variant.
Coding change: c.2585+2T>C on transcript NM_144687.4 (MANE Select); the canonical splice donor site of the intron after coding-DNA position 2585, T replaced by C.
Molecular consequence: splice donor variant.
Genome position (GRCh38, 1-based): chr19:53,803,950, A>G on the plus strand (T>C on the coding strand, the complement: NLRP12 is on the minus strand). VCF-style: chr19-53803950-A-G. GRCh37 (hg19) VCF-style: chr19-54307204-A-G.
Other names: c.2585+2T>C (NM_001277129.1); c.2588+2T>C (NM_001277126.2).
Identifiers: ClinVar variation 4692515 (VCV004692515.2).
Genomic context (GRCh38, chr19:53,803,950, plus strand): 5'-TACCATCATTCAATATGAAGAGATTTGCCATTTTATTATAGTTGACCCCAGGAAGAACTC[A>G]CCACAAAGTCCGTAGTCTGCAGACTGGGTGCCTCAGTCCCTGGCATAGTAACCTCAGGCC-3'

ClinVar aggregate classification (germline): Uncertain significance. Review status: criteria provided, multiple submitters, no conflicts (2 of 4 stars). 2 submissions from 2 submitters: Uncertain significance (2). Last evaluated 2026-03-15.

Conditions:
Familial cold autoinflammatory syndrome 2 (FCAS2). Identifiers: Orphanet 247868, MedGen C2673198, MONDO:0012724, OMIM 611762.

gnomAD v4.1: 6 of 1,613,904 alleles (0.00037%); highest among the groups gnomAD compares: Non-Finnish European, 0.00051%; no homozygotes.

Submissions (2):

GeneDx
Classification: Uncertain significance. Last evaluated: 2026-03-15. Review status: criteria provided, single submitter. Criteria: GeneDx Variant Classification Process June 2021. Collection method: clinical testing. Allele origin: germline.
Comment: Not observed at significant frequency in large population cohorts (gnomAD); Canonical splice site variant with an unclear effect on protein function; Has not been previously published as pathogenic or benign to our knowledge

Labcorp Genetics (formerly Invitae), Labcorp
Classification: Uncertain significance for Familial cold autoinflammatory syndrome 2. Last evaluated: 2025-08-10. Review status: criteria provided, single submitter. Criteria: Invitae Variant Classification Sherloc (09022015). Collection method: clinical testing. Allele origin: germline.
Comment: This sequence change affects a donor splice site in intron 6 of the NLRP12 gene. It is expected to disrupt RNA splicing. Variants that disrupt the donor or acceptor splice site typically lead to a loss of protein function (PMID: 16199547), however the current clinical and genetic evidence is not sufficient to establish whether loss-of-function variants in NLRP12 cause disease. This variant is not present in population databases (gnomAD no frequency). This variant has not been reported in the literature in individuals affected with NLRP12-related conditions. Algorithms developed to predict the effect of sequence changes on RNA splicing suggest that this variant may disrupt the consensus splice site. In summary, the available evidence is currently insufficient to determine the role of this variant in disease. Therefore, it has been classified as a Variant of Uncertain Significance.

Literature cited by the submitters: PubMed 16199547 (cited by Labcorp Genetics (formerly Invitae), Labcorp).